The following is an entry in ClinVar:

NM_014967.5(FAN1):c.2248G>A (p.Ala750Thr)

Genes: FAN1 (FANCD2 and FANCI associated nuclease 1; plus strand), MTMR10 (myotubularin related protein 10; minus strand). Cytogenetic location: 15q13.3.
Variant type: single nucleotide variant.
Coding change: c.2248G>A on transcript NM_014967.5 (MANE Select); coding-DNA position 2248, G replaced by A.
Protein change: p.Ala750Thr; replaces alanine 750 with threonine.
Molecular consequence: missense variant.
Genome position (GRCh38, 1-based): chr15:30,925,202, G>A. VCF-style: chr15-30925202-G-A. GRCh37 (hg19) VCF-style: chr15-31217405-G-A.
Other names: short protein forms A750T.
Identifiers: ClinVar variation 4976313 (VCV004976313.1).

ClinVar aggregate classification (germline): Uncertain significance (1 of 4 stars; one submission).

Submission:

GeneDx
Classification: Uncertain significance. Last evaluated: 2026-02-06. Review status: criteria provided, single submitter. Criteria: GeneDx Variant Classification Process June 2021. Collection method: clinical testing. Allele origin: germline.
Comment: Not observed at significant frequency in large population cohorts (gnomAD); In silico analysis supports that this missense variant has a deleterious effect on protein structure/function; Has not been previously published as pathogenic or benign to our knowledge